The following is an entry in ClinVar:

ClinVar aggregate classification (germline): Uncertain significance (1 of 4 stars; one submission).

Conditions:
Fibrous dysplasia of jaw (CRBM). Also called: Cherubism. Identifiers: Orphanet 184, MedGen C0008029, MONDO:0007315, OMIM 118400.

Allele frequency attached by ClinVar (database versions not stated): TOPMed below 0.00001; gnomAD 0.00001; ExAC 0.00003.

Submission:

Labcorp Genetics (formerly Invitae), Labcorp
Classification: Uncertain significance for Fibrous dysplasia of jaw. Last evaluated: 2023-06-14. Review status: criteria provided, single submitter. Criteria: Invitae Variant Classification Sherloc (09022015). Collection method: clinical testing. Allele origin: germline.
Comment: In summary, the available evidence is currently insufficient to determine the role of this variant in disease. Therefore, it has been classified as a Variant of Uncertain Significance. Advanced modeling of protein sequence and biophysical properties (such as structural, functional, and spatial information, amino acid conservation, physicochemical variation, residue mobility, and thermodynamic stability) performed at Invitae indicates that this missense variant is not expected to disrupt SH3BP2 protein function. ClinVar contains an entry for this variant (Variation ID: 1016332). This variant has not been reported in the literature in individuals affected with SH3BP2-related conditions. The frequency data for this variant in the population databases is considered unreliable, as metrics indicate poor data quality at this position in the gnomAD database. This sequence change replaces glycine, which is neutral and non-polar, with tryptophan, which is neutral and slightly polar, at codon 559 of the SH3BP2 protein (p.Gly559Trp).

NM_001122681.2(SH3BP2):c.1675G>T (p.Gly559Trp)

Gene: SH3BP2 (SH3 domain binding protein 2; plus strand). Cytogenetic location: 4p16.3.
Variant type: single nucleotide variant.
Coding change: c.1675G>T on transcript NM_001122681.2 (MANE Select); coding-DNA position 1675, G replaced by T.
Protein change: p.Gly559Trp; replaces glycine 559 with tryptophan.
Molecular consequence: missense variant.
Genome position (GRCh38, 1-based): chr4:2,833,823, G>T. VCF-style: chr4-2833823-G-T. GRCh37 (hg19) VCF-style: chr4-2835550-G-T.
Other names: c.1759G>T, p.Gly587Trp (NM_001145855.2); c.1846G>T, p.Gly616Trp (NM_001145856.2); c.1675G>T, p.Gly559Trp (NM_003023.4); short protein forms G559W, G587W, G616W.
Identifiers: ClinVar variation 1016332 (VCV001016332.10), dbSNP rs776809624, ClinGen allele CA2819657.